The following is an entry in ClinVar:

ClinVar aggregate classification (germline): Uncertain significance (1 of 4 stars; one submission).

Conditions:
Hereditary cancer-predisposing syndrome. Also called: Neoplastic Syndromes, Hereditary; Tumor predisposition; Hereditary Cancer Syndrome; Hereditary neoplastic syndrome. Identifiers: Orphanet 140162, MedGen C0027672, MeSH D009386, MONDO:0015356.

gnomAD v4.1: 1 of 1,613,610 alleles (0.000062%); highest among the groups gnomAD compares: South Asian, 0.0011%; no homozygotes.

Submission:

Color Diagnostics, LLC DBA Color Health
Classification: Uncertain significance for Hereditary cancer-predisposing syndrome. Last evaluated: 2024-05-04. Review status: criteria provided, single submitter. Criteria: ACMG Guidelines, 2015. Collection method: clinical testing. Allele origin: germline.
Comment: This missense variant replaces isoleucine with leucine at codon 469 of the SMAD4 protein. Computational prediction suggests that this variant may not impact protein structure and function (internally defined REVEL score threshold <= 0.5, PMID: 27666373). To our knowledge, functional studies have not been reported for this variant. This variant has not been reported in individuals affected with SMAD4-related disorders in the literature. This variant has been identified in 1/251248 chromosomes in the general population by the Genome Aggregation Database (gnomAD). The available evidence is insufficient to determine the role of this variant in disease conclusively. Therefore, this variant is classified as a Variant of Uncertain Significance.

NM_005359.6(SMAD4):c.1405A>C (p.Ile469Leu)

Gene: SMAD4 (SMAD family member 4; plus strand). Cytogenetic location: 18q21.2.
Variant type: single nucleotide variant.
Coding change: c.1405A>C on transcript NM_005359.6 (MANE Select); coding-DNA position 1405, A replaced by C.
Protein change: p.Ile469Leu; replaces isoleucine 469 with leucine.
Molecular consequence: missense variant. On other transcripts: non-coding transcript variant (1).
Genome position (GRCh38, 1-based): chr18:51,076,734, A>C. VCF-style: chr18-51076734-A-C. GRCh37 (hg19) VCF-style: chr18-48603104-A-C.
Other names: c.1405A>C, p.Ile469Leu (NM_001407041.1, NM_001407042.1); short protein forms I469L.
Identifiers: ClinVar variation 3893845 (VCV003893845.1).